The following is an entry in ClinVar:

ClinVar aggregate classification (germline): Pathogenic (1 of 4 stars; one submission).

Conditions:
Peroxisome biogenesis disorder 5A (Zellweger) (PBD5A). Identifiers: Orphanet 912, MedGen C3553940, MONDO:0013932, OMIM 614866.

Allele frequency attached by ClinVar (database versions not stated): gnomAD exomes below 0.00001.

Submission:

Labcorp Genetics (formerly Invitae), Labcorp
Classification: Pathogenic for Peroxisome biogenesis disorder 5A (Zellweger). Last evaluated: 2020-09-14. Review status: criteria provided, single submitter. Criteria: Invitae Variant Classification Sherloc (09022015). Collection method: clinical testing. Allele origin: germline.
Comment: This sequence change results in a premature translational stop signal in the PEX2 gene (p.Gln39*). While this is not anticipated to result in nonsense mediated decay, it is expected to disrupt the last 267 amino acids of the PEX2 protein. This variant is not present in population databases (ExAC no frequency). This variant has been observed in individual(s) with Zellweger spectrum disorder (PMID: 17041890). This variant disrupts the C-terminus of the PEX2 protein. Other variant(s) that disrupt this region (Arg184Valfs*8) have been determined to be pathogenic (PMID: 10652207, Invitae). This suggests that variants that disrupt this region of the protein are likely to be causative of disease. For these reasons, this variant has been classified as Pathogenic.

Literature cited by the submitters: PubMed 17041890; PubMed 10652207.

NM_000318.3(PEX2):c.115C>T (p.Gln39Ter)

Gene: PEX2 (peroxisomal biogenesis factor 2; minus strand). Cytogenetic location: 8q21.13.
Variant type: single nucleotide variant.
Coding change: c.115C>T on transcript NM_000318.3 (MANE Select); coding-DNA position 115, C replaced by T.
Protein change: p.Gln39Ter; replaces glutamine 39 with a stop codon.
Molecular consequence: nonsense.
Genome position (GRCh38, 1-based): chr8:76,984,064, G>A on the plus strand (C>T on the coding strand, the complement: PEX2 is on the minus strand). VCF-style: chr8-76984064-G-A. GRCh37 (hg19) VCF-style: chr8-77896300-G-A.
Other names: c.115C>T, p.Gln39Ter (NM_001079867.2, NM_001172086.2, NM_001172087.2); short protein forms Q39*.
Identifiers: ClinVar variation 1071201 (VCV001071201.9), dbSNP rs61752118, ClinGen allele CA179988280.